The following is an entry in ClinVar:

NM_004959.5(NR5A1):c.62C>T (p.Ser21Phe)

Gene: NR5A1 (nuclear receptor subfamily 5 group A member 1; minus strand). Cytogenetic location: 9q33.3.
Variant type: single nucleotide variant.
Coding change: c.62C>T on transcript NM_004959.5 (MANE Select); coding-DNA position 62, C replaced by T.
Protein change: p.Ser21Phe; replaces serine 21 with phenylalanine.
Molecular consequence: missense variant.
Genome position (GRCh38, 1-based): chr9:124,503,334, G>A on the plus strand (C>T on the coding strand, the complement: NR5A1 is on the minus strand). VCF-style: chr9-124503334-G-A. GRCh37 (hg19) VCF-style: chr9-127265613-G-A.
Other names: short protein forms S21F.
Identifiers: ClinVar variation 4854028 (VCV004854028.1).

ClinVar aggregate classification (germline): Uncertain significance (1 of 4 stars; one submission).

Conditions:
46,XY sex reversal 3. Also called: 46,XY SEX REVERSAL, PARTIAL OR COMPLETE, NR5A1-RELATED; NR5A1-related 46,XY complete gonadal dysgenesis; 46,XY GONADAL DYSGENESIS, PARTIAL OR COMPLETE, WITH OR WITHOUT ADRENAL FAILURE; DISORDER OF SEX DEVELOPMENT, 46,XY, NR5A1-RELATED; SEX REVERSAL, XY, WITH OR WITHOUT ADRENAL FAILURE. Identifiers: MedGen C3489793, MONDO:0013066, OMIM 612965.

Submission:

3billion
Classification: Uncertain significance for 46,XY sex reversal 3. Last evaluated: 2026-01-23. Review status: criteria provided, single submitter. Criteria: ACMG Guidelines, 2015. Collection method: clinical testing. Allele origin: germline. Affected: yes.
Comment: The variant is not observed in the gnomAD v4.1.0 dataset. Predicted Consequence/Location: Missense variant In silico tool predictions suggest damaging effect of the variant on gene or gene product [REVEL: 0.94 (>=0.6, sensitivity 0.68 and specificity 0.92); 3Cnet: 0.76 (> 0.75, sensitivity 0.96 and precision 0.92)]. A different missense change at the same codon (p.Ser21Ala) has been reported to be associated with NR5A1-related disorder (ClinVar ID: VCV002507402). Therefore, this variant is classified as VUS according to the recommendation of ACMG/AMP guideline.